The following is an entry in ClinVar:

ClinVar aggregate classification (germline): Pathogenic (1 of 4 stars; one submission).

Conditions:
Diamond-Blackfan anemia. Also called: Blackfan Diamond syndrome; Aregenerative anemia chronic congenital; Red cell aplasia, pure hereditary; Congenital hypoplastic anemia; Aase syndrome. Identifiers: Orphanet 124, MedGen C1260899, MeSH D029503, MONDO:0015253, HP:0004810.

Submission:

Labcorp Genetics (formerly Invitae), Labcorp
Classification: Pathogenic for Diamond-Blackfan anemia. Last evaluated: 2023-02-23. Review status: criteria provided, single submitter. Criteria: Invitae Variant Classification Sherloc (09022015). Collection method: clinical testing. Allele origin: unknown.
Comment: A gross deletion of the genomic region encompassing the full coding sequence of the RPL11 gene has been identified. Loss-of-function variants in RPL11 are known to be pathogenic (PMID: 19061985, 19773262). The boundaries of this event are unknown as they extend beyond the assayed region for this gene and therefore may encompass additional genes. A similar copy number variant has been observed in individuals with Diamond-Blackfan anemia (PMID: 22689679). For these reasons, this variant has been classified as Pathogenic.

Literature cited by the submitters: PubMed 19061985; PubMed 19773262; PubMed 22689679.

NC_000001.10:g.(?_23395012)_(24673151_?)del

Genes: ASAP3 (ArfGAP with SH3 domain, ankyrin repeat and PH domain 3; minus strand), CNR2 (cannabinoid receptor 2; minus strand), E2F2 (E2F transcription factor 2; minus strand), ELOA (elongin A; plus strand), FUCA1 (alpha-L-fucosidase 1; minus strand) and 19 more. Cytogenetic location: 1p36.12-36.11.
Variant type: Deletion.
Identifiers: ClinVar variation 3247719 (VCV003247719.1).